The following is an entry in ClinVar:

NM_001365536.1(SCN9A):c.4285T>C (p.Tyr1429His)

Genes: SCN1A-AS1 (SCN1A and SCN9A antisense RNA 1; plus strand), SCN9A (sodium voltage-gated channel alpha subunit 9; minus strand). Cytogenetic location: 2q24.3.
Variant type: single nucleotide variant.
Coding change: c.4285T>C on transcript NM_001365536.1 (MANE Select); coding-DNA position 4285, T replaced by C.
Protein change: p.Tyr1429His; replaces tyrosine 1429 with histidine.
Molecular consequence: missense variant.
Genome position (GRCh38, 1-based): chr2:166,226,680, A>G on the plus strand (T>C on the coding strand, the complement: SCN9A is on the minus strand). VCF-style: chr2-166226680-A-G. GRCh37 (hg19) VCF-style: chr2-167083190-A-G.
Other names: c.4252T>C, p.Tyr1418His (NM_002977.4); short protein forms Y1418H, Y1429H.
Identifiers: ClinVar variation 1718698 (VCV001718698.6), dbSNP rs1364229414, ClinGen allele CA349062077.

ClinVar aggregate classification (germline): Uncertain significance (1 of 4 stars; one submission).

Conditions:
Generalized epilepsy with febrile seizures plus, type 7 (GEFSP7). Also called: GEFS+, TYPE 7. Identifiers: Orphanet 36387, MedGen C2751778, MONDO:0013470, OMIM 613863.
Neuropathy, hereditary sensory and autonomic, type 2A (HSAN2A). Also called: ACROOSTEOLYSIS, GIACCAI TYPE; ACROOSTEOLYSIS, NEUROGENIC; WNK1-Related HSAN2 (HSAN2A); HSAN IIA; MORVAN DISEASE; NEUROPATHY, CONGENITAL SENSORY. Identifiers: Orphanet 970, MedGen C2752089, MONDO:0024309, OMIM 201300.

Allele frequency attached by ClinVar (database versions not stated): gnomAD 0.00001.

Submission:

Labcorp Genetics (formerly Invitae), Labcorp
Classification: Uncertain significance for Neuropathy, hereditary sensory and autonomic, type 2A; Generalized epilepsy with febrile seizures plus, type 7. Last evaluated: 2024-09-06. Review status: criteria provided, single submitter. Criteria: Invitae Variant Classification Sherloc (09022015). Collection method: clinical testing. Allele origin: germline.
Comment: This sequence change replaces tyrosine, which is neutral and polar, with histidine, which is basic and polar, at codon 1418 of the SCN9A protein (p.Tyr1418His). This variant is not present in population databases (gnomAD no frequency). This variant has not been reported in the literature in individuals affected with SCN9A-related conditions. ClinVar contains an entry for this variant (Variation ID: 1718698). Invitae Evidence Modeling of protein sequence and biophysical properties (such as structural, functional, and spatial information, amino acid conservation, physicochemical variation, residue mobility, and thermodynamic stability) indicates that this missense variant is not expected to disrupt SCN9A protein function with a negative predictive value of 95%. In summary, the available evidence is currently insufficient to determine the role of this variant in disease. Therefore, it has been classified as a Variant of Uncertain Significance.